The following is an entry in ClinVar:

NM_014727.3(KMT2B):c.4053_4063del (p.Glu1351fs)

Gene: KMT2B (lysine methyltransferase 2B; plus strand). Cytogenetic location: 19q13.12.
Variant type: Deletion.
Coding change: c.4053_4063del on transcript NM_014727.3 (MANE Select); coding-DNA positions 4053 to 4063, 11 bases deleted (GAGCAAGATGA).
Protein change: p.Glu1351fs; shifts the reading frame from glutamic acid 1351.
Molecular consequence: frameshift variant.
Genome position (GRCh38, 1-based): chr19:35,727,205-35,727,215, GAGCAAGATGA deleted; deleting any 11 consecutive bases within chr19:35,727,201-35,727,215 gives the same sequence; the c. name uses the placement nearest the transcript's 3' end. VCF-style (leftmost placement, unchanged base first): chr19-35727200-TATGAGAGCAAG-T. GRCh37 (hg19) VCF-style: chr19-36218101-TATGAGAGCAAG-T.
Other names: short protein forms E1351fs.
Identifiers: ClinVar variation 2134599 (VCV002134599.5), dbSNP rs2513336258, ClinGen allele CA2580096822.

ClinVar aggregate classification (germline): Pathogenic. Review status: criteria provided, multiple submitters, no conflicts (2 of 4 stars). 2 submissions from 2 submitters: Pathogenic (2). Last evaluated 2025-03-17.

Conditions:
Inborn genetic diseases. Identifiers: MedGen C0950123, MeSH D030342.

Submissions (2):

Labcorp Genetics (formerly Invitae), Labcorp
Classification: Pathogenic. Last evaluated: 2025-03-17. Review status: criteria provided, single submitter. Criteria: Invitae Variant Classification Sherloc (09022015). Collection method: clinical testing. Allele origin: germline.
Comment: This sequence change creates a premature translational stop signal (p.Glu1351Aspfs*20) in the KMT2B gene. It is expected to result in an absent or disrupted protein product. Loss-of-function variants in KMT2B are known to be pathogenic (PMID: 27839873, 27992417). This variant is not present in population databases (gnomAD no frequency). This variant has not been reported in the literature in individuals affected with KMT2B-related conditions. ClinVar contains an entry for this variant (Variation ID: 2134599). For these reasons, this variant has been classified as Pathogenic.

Ambry Genetics
Classification: Pathogenic for Inborn genetic diseases. Last evaluated: 2022-06-15. Review status: criteria provided, single submitter. Criteria: Ambry Variant Classification Scheme 2023. Collection method: clinical testing. Allele origin: germline.
Comment: The c.4053_4063del11 (p.E1351Dfs*20) alteration, located in exon 15 (coding exon 15) of the KMT2B gene, consists of a deletion of 11 nucleotides from position 4053 to 4063, causing a translational frameshift with a predicted alternate stop codon after 20 amino acids. This alteration is expected to result in loss of function by premature protein truncation or nonsense-mediated mRNA decay. This variant was not reported in population-based cohorts in the Genome Aggregation Database (gnomAD). Based on the available evidence, this alteration is classified as pathogenic.

Literature cited by the submitters: PubMed 27839873 (cited by Labcorp Genetics (formerly Invitae), Labcorp); PubMed 27992417 (cited by Labcorp Genetics (formerly Invitae), Labcorp).